The following is an entry in ClinVar:

ClinVar aggregate classification (germline): Uncertain significance. Review status: criteria provided, multiple submitters, no conflicts (2 of 4 stars). 2 submissions from 2 submitters: Uncertain significance (2). Last evaluated 2024-11-07.

Conditions:
Inborn genetic diseases. Identifiers: MedGen C0950123, MeSH D030342.
Osteogenesis imperfecta type 7 (OI7). Also called: OSTEOGENESIS IMPERFECTA, TYPE IIB; Osteogenesis imperfecta type 2B; OI type 2B; Osteogenesis imperfecta, perinatal lethal autosomal recessive; OI type IIB; OI type 7. Identifiers: MedGen C1853162, MONDO:0012536, OMIM 610682.

Allele frequency attached by ClinVar (database versions not stated): gnomAD exomes 0.00007; ExAC 0.00020; gnomAD 0.00022 and 0.00023; 1000 Genomes Project 30x 0.00031; TOPMed 0.00033.
gnomAD v4.1: 73 of 1,580,614 alleles (0.0046%); highest among the groups gnomAD compares: African/African-American, 0.077%; no homozygotes.

Submissions (2):

Ambry Genetics
Classification: Uncertain significance for Inborn genetic diseases. Last evaluated: 2024-11-07. Review status: criteria provided, single submitter. Criteria: Ambry Variant Classification Scheme 2023. Collection method: clinical testing. Allele origin: germline.

Labcorp Genetics (formerly Invitae), Labcorp
Classification: Uncertain significance for Osteogenesis imperfecta type 7. Last evaluated: 2022-08-08. Review status: criteria provided, single submitter. Criteria: Invitae Variant Classification Sherloc (09022015). Collection method: clinical testing. Allele origin: germline.
Comment: This sequence change replaces glycine, which is neutral and non-polar, with arginine, which is basic and polar, at codon 125 of the CRTAP protein (p.Gly125Arg). This variant is present in population databases (rs777442040, gnomAD 0.1%). This variant has not been reported in the literature in individuals affected with CRTAP-related conditions. ClinVar contains an entry for this variant (Variation ID: 999251). Algorithms developed to predict the effect of missense changes on protein structure and function are either unavailable or do not agree on the potential impact of this missense change (SIFT: "Deleterious"; PolyPhen-2: "Benign"; Align-GVGD: "Class C0"). In summary, the available evidence is currently insufficient to determine the role of this variant in disease. Therefore, it has been classified as a Variant of Uncertain Significance.

NM_006371.5(CRTAP):c.373G>C (p.Gly125Arg)

Gene: CRTAP (cartilage associated protein; plus strand). Cytogenetic location: 3p22.3.
Variant type: single nucleotide variant.
Coding change: c.373G>C on transcript NM_006371.5 (MANE Select); coding-DNA position 373, G replaced by C.
Protein change: p.Gly125Arg; replaces glycine 125 with arginine.
Molecular consequence: missense variant.
Genome position (GRCh38, 1-based): chr3:33,114,450, G>C. VCF-style: chr3-33114450-G-C. GRCh37 (hg19) VCF-style: chr3-33155942-G-C.
Other names: c.373G>C (NM_006371.4); short protein forms G125R.
Identifiers: ClinVar variation 999251 (VCV000999251.3), dbSNP rs777442040, ClinGen allele CA2300256.